The following is an entry in ClinVar:

ClinVar aggregate classification (germline): Uncertain significance (1 of 4 stars; one submission).

Conditions:
Cardiovascular phenotype. Identifiers: MedGen CN230736.

Submission:

Ambry Genetics
Classification: Uncertain significance for Cardiovascular phenotype. Last evaluated: 2025-05-27. Review status: criteria provided, single submitter. Criteria: Ambry Variant Classification Scheme 2023. Collection method: clinical testing. Allele origin: germline.
Comment: The p.A125V variant (also known as c.374C>T), located in coding exon 1 of the ZNF469 gene, results from a C to T substitution at nucleotide position 374. The alanine at codon 125 is replaced by valine, an amino acid with similar properties. This amino acid position is conserved. In addition, this alteration is predicted to be tolerated by in silico analysis. Based on the available evidence, the clinical significance of this variant remains unclear.

NM_001367624.2(ZNF469):c.374C>T (p.Ala125Val)

Gene: ZNF469 (zinc finger protein 469; plus strand). Cytogenetic location: 16q24.2.
Variant type: single nucleotide variant.
Coding change: c.374C>T on transcript NM_001367624.2 (MANE Select); coding-DNA position 374, C replaced by T.
Protein change: p.Ala125Val; replaces alanine 125 with valine.
Molecular consequence: missense variant.
Genome position (GRCh38, 1-based): chr16:88,427,844, C>T. VCF-style: chr16-88427844-C-T. GRCh37 (hg19) VCF-style: chr16-88494252-C-T.
Other names: NM_001127464.1:c.374C>T; short protein forms A125V.
Identifiers: ClinVar variation 3987285 (VCV003987285.1).